The following is an entry in ClinVar:

ClinVar aggregate classification (germline): Uncertain significance (1 of 4 stars; one submission).

Submission:

GeneDx
Classification: Uncertain significance. Last evaluated: 2024-09-18. Review status: criteria provided, single submitter. Criteria: GeneDx Variant Classification Process June 2021. Collection method: clinical testing. Allele origin: germline. Affected: yes.
Comment: Not observed at significant frequency in large population cohorts (gnomAD); In silico analysis indicates that this missense variant does not alter protein structure/function; In silico analysis suggests this variant may impact gene splicing. In the absence of RNA/functional studies, the actual effect of this sequence change is unknown.; Has not been previously published as pathogenic or benign to our knowledge

NM_003482.4(KMT2D):c.7892G>C (p.Gly2631Ala)

Gene: KMT2D (lysine methyltransferase 2D; minus strand). Cytogenetic location: 12q13.12.
Variant type: single nucleotide variant.
Coding change: c.7892G>C on transcript NM_003482.4 (MANE Select); coding-DNA position 7892, G replaced by C.
Protein change: p.Gly2631Ala; replaces glycine 2631 with alanine.
Molecular consequence: missense variant.
Genome position (GRCh38, 1-based): chr12:49,039,878, C>G on the plus strand (G>C on the coding strand, the complement: KMT2D is on the minus strand). VCF-style: chr12-49039878-C-G. GRCh37 (hg19) VCF-style: chr12-49433661-C-G.
Other names: short protein forms G2631A.
Identifiers: ClinVar variation 3774156 (VCV003774156.1).
Genomic context (GRCh38, chr12:49,039,878, plus strand): 5'-CCAGTCCCTGGGTCTTCTCGCTTTTCGACAGGAGAGGTGATGCCTGATCGCTGTGAGGCT[C>G]CATGGGACAGGTAGGGGAGGGATCCGTCGGGTGCAGGTGGTGGCAGAACCGACGGAGGGC-3'
Protein context (NP_003473.3, residues 2621-2641): PDGSLPYLSH[Gly2631Ala]ASQRSGITSP